The following is an entry in ClinVar:

NM_001302371.3(NBPF10):c.4836G>A (p.Leu1612=)

Gene: NBPF10 (NBPF member 10; minus strand). Cytogenetic location: 1q21.1.
Variant type: single nucleotide variant.
Coding change: c.4836G>A on transcript NM_001302371.3 (MANE Select); coding-DNA position 4836, G replaced by A.
Protein change: p.Leu1612=; no amino-acid change (leucine 1612 retained).
Molecular consequence: synonymous variant.
Genome position (GRCh38, 1-based): chr1:146,107,462, C>T on the plus strand (G>A on the coding strand, the complement: NBPF10 is on the minus strand). VCF-style: chr1-146107462-C-T. GRCh37 (hg19) VCF-style: chr1-145330737-G-A.
Other names: c.4836G>A, p.Leu1612= (NM_001039703.6).
Identifiers: ClinVar variation 2639098 (VCV002639098.24), dbSNP rs2526087518, ClinGen allele CA420316365.

ClinVar aggregate classification (germline): Likely benign (1 of 4 stars; one submission).

Submission:

CeGaT Center for Human Genetics Tuebingen
Classification: Likely benign. Last evaluated: 2022-08-01. Review status: criteria provided, single submitter. Criteria: CeGaT Center For Human Genetics Tuebingen Variant Classification Criteria Version 2. Collection method: clinical testing. Allele origin: germline. Affected: yes. Observed: 1 variant allele.
Comment: NBPF10: BP7